The following is an entry in ClinVar:

ClinVar aggregate classification (germline): Uncertain significance. Review status: criteria provided, multiple submitters, no conflicts (2 of 4 stars). 3 submissions from 3 submitters: Uncertain significance (3). Last evaluated 2025-07-21.

Conditions:
Cardiovascular phenotype. Identifiers: MedGen CN230736.
Hereditary cancer-predisposing syndrome. Also called: Hereditary neoplastic syndrome; Neoplastic Syndromes, Hereditary; Tumor predisposition; Hereditary Cancer Syndrome. Identifiers: Orphanet 140162, MedGen C0027672, MeSH D009386, MONDO:0015356.
Neurofibromatosis, type 1 (NF1). Also called: VON RECKLINGHAUSEN DISEASE; Peripheral type neurofibromatosis; NEUROFIBROMATOSIS, TYPE I, SOMATIC; Neurofibromatosis, type I. Identifiers: Orphanet 636, MedGen C0027831, MONDO:0018975, OMIM 162200. Disease mechanism: loss of function.

Submissions (3):

Labcorp Genetics (formerly Invitae), Labcorp
Classification: Uncertain significance for Neurofibromatosis, type 1. Last evaluated: 2025-07-21. Review status: criteria provided, single submitter. Criteria: Invitae Variant Classification Sherloc (09022015). Collection method: clinical testing. Allele origin: germline.
Comment: This variant, c.8447_8449del, results in the deletion of 1 amino acid(s) of the NF1 protein (p.Lys2816del), but otherwise preserves the integrity of the reading frame. This variant is not present in population databases (gnomAD no frequency). This variant has not been reported in the literature in individuals affected with NF1-related conditions. Experimental studies and prediction algorithms are not available or were not evaluated, and the functional significance of this variant is currently unknown. RNA analysis performed to evaluate the impact of this variant on mRNA splicing indicates it does not significantly alter splicing (internal data). In summary, the available evidence is currently insufficient to determine the role of this variant in disease. Therefore, it has been classified as a Variant of Uncertain Significance.

Genome-Nilou Lab
Classification: Uncertain significance for Neurofibromatosis, type 1. Last evaluated: 2022-03-15. Review status: criteria provided, single submitter. Criteria: ACMG Guidelines, 2015. Collection method: clinical testing. Allele origin: germline. Affected: no.

Ambry Genetics
Classification: Uncertain significance for Cardiovascular phenotype; Hereditary cancer-predisposing syndrome. Last evaluated: 2016-04-15. Review status: criteria provided, single submitter. Criteria: Ambry Variant Classification Scheme 2023. Collection method: clinical testing. Allele origin: germline.
Comment: The c.8447_8449delAGA variant (also known as p.K2816DEL) is located in coding exon 57 of the NF1 gene. This variant results from an in-frame AGA deletion of 3 nucleotides at positions 8447 to 8449, causing the removal of a highly-conserved lysine residue at codon 2816. This variant was not reported in population based cohorts in the following databases: Database of Single Nucleotide Polymorphisms (dbSNP), NHLBI Exome Sequencing Project (ESP), and 1000 Genomes Project. In the ESP, this variant was not observed in 6503 samples (13006 alleles) with coverage at this position. To date, this alteration has been detected with an allele frequency of approximately 0.0001% (greater than 115000 alleles tested) in our clinical cohort. Since supporting evidence is limited at this time, the clinical significance of this alteration remains unclear.

NM_001042492.3(NF1):c.8507AGA[1] (p.Lys2837del)

Gene: NF1 (neurofibromin 1; plus strand). Cytogenetic location: 17q11.2.
Variant type: Microsatellite.
Coding change: c.8507AGA[1] on transcript NM_001042492.3 (MANE Select); one copy of the 3-base unit AGA starting at c.8507; the reference has two copies in a row; one copy, 3 bases deleted.
Protein change: p.Lys2837del; deletes lysine 2837.
Molecular consequence: inframe deletion. On other transcripts: inframe indel (1).
Genome position (GRCh38, 1-based): chr17:31,374,145-31,374,147, AGA deleted; deleting any 3 consecutive bases within chr17:31,374,141-31,374,147 gives the same sequence; the position shown is the placement nearest the transcript's 3' end. VCF-style (leftmost placement, unchanged base first): chr17-31374140-TAAG-T. GRCh37 (hg19) VCF-style: chr17-29701158-TAAG-T.
Other names: c.8447_8449delAGA (NM_000267.3); c.8444_8446AGA[1], p.Lys2816del (NM_000267.4); short protein forms K2837del, K2816del.
Identifiers: ClinVar variation 481917 (VCV000481917.12), dbSNP rs1555538565, ClinGen allele CA658658612.
Genomic context (GRCh38, chr17:31,374,140, plus strand): 5'-CGGATCCGCAAGCCAAGTGCAGAAGCAAAGAAGCGCTGGCAGTTTCAAACGTAATAGCAT[TAAG>T]AAGATCGTGTGAAGCTTGCTTGCTTTCTTTTTTAAAATCAACTTAACATGGGCTCTTCAC-3'